The following is an entry in ClinVar:

ClinVar aggregate classification (germline): Uncertain significance. Review status: criteria provided, multiple submitters, no conflicts (2 of 4 stars). 2 submissions from 2 submitters: Uncertain significance (2). Last evaluated 2022-08-29.

Conditions:
TTN-related disorder. Also called: TTN-related condition; TTN-related disease; TTN-related disorders.

Allele frequency attached by ClinVar (database versions not stated): ExAC 0.00001; gnomAD 0.00001 and 0.00003; gnomAD exomes 0.00001; TOPMed 0.00001; 1000 Genomes Project 0.00020; 1000 Genomes Project 30x 0.00047.
gnomAD v4.1: 16 of 1,609,912 alleles (0.00099%); highest among the groups gnomAD compares: Admixed American, 0.025%; no homozygotes.

Submissions (2):

PreventionGenetics, part of Exact Sciences
Classification: Uncertain significance for TTN-related condition. Last evaluated: 2022-08-29. Review status: criteria provided, single submitter. Criteria: ACMG Guidelines, 2015. Collection method: clinical testing. Allele origin: germline.
Comment: The TTN c.31838C>A variant is predicted to result in the amino acid substitution p.Pro10613Gln. To our knowledge, this variant has not been reported in the literature. This variant is reported in 0.0059% of alleles in individuals of Latino descent in gnomAD. At this time, the clinical significance of this variant is uncertain due to the absence of conclusive functional and genetic evidence.

AiLife Diagnostics
Classification: Uncertain significance. Last evaluated: 2021-06-18. Review status: criteria provided, single submitter. Criteria: ACMG Guidelines, 2015. Collection method: clinical testing. Allele origin: germline. Affected: yes. Observed: 1 variant allele.

NM_001267550.2(TTN):c.31838C>A (p.Pro10613Gln)

Gene: TTN (titin; minus strand). Cytogenetic location: 2q31.2.
Variant type: single nucleotide variant.
Coding change: c.31838C>A on transcript NM_001267550.2 (MANE Select); coding-DNA position 31838, C replaced by A.
Protein change: p.Pro10613Gln; replaces proline 10613 with glutamine.
Molecular consequence: missense variant. On other transcripts: intron variant (3).
Genome position (GRCh38, 1-based): chr2:178,689,821, G>T on the plus strand (C>A on the coding strand, the complement: TTN is on the minus strand). VCF-style: chr2-178689821-G-T. GRCh37 (hg19) VCF-style: chr2-179554548-G-T.
Other names: c.30887C>A, p.Pro10296Gln (NM_001256850.1); c.28106C>A, p.Pro9369Gln (NM_133378.4); c.13283-47504C>A (NM_003319.4); c.13859-47504C>A (NM_133437.4); c.13658-47504C>A (NM_133432.3); short protein forms P10296Q, P10613Q, P9369Q.
Identifiers: ClinVar variation 1678473 (VCV001678473.2), dbSNP rs186731979, ClinGen allele CA1998834.
Genomic context (GRCh38, chr2:178,689,821, plus strand): 5'-ATATTTTGTATCAAAGATAAAAGATAGGGCTTTACGTCGAAAGCCACTGTACCTTTAGCT[G>T]GGGGAGCTTCCTTTTTCTTTGCAACAGGAACGGGAATCTTTTCTTCAGGGACAGGTTTCT-3'
Protein context (NP_001254479.2, residues 10603-10623): VPVAKKKEAP[Pro10613Gln]AKVPEVQKGV